The following is an entry in ClinVar:

NM_004341.5(CAD):c.419A>G (p.Gln140Arg)

Gene: CAD (carbamoyl-phosphate synthetase 2, aspartate transcarbamylase, and dihydroorotase; plus strand). Cytogenetic location: 2p23.3.
Variant type: single nucleotide variant.
Coding change: c.419A>G on transcript NM_004341.5 (MANE Select); coding-DNA position 419, A replaced by G.
Protein change: p.Gln140Arg; replaces glutamine 140 with arginine.
Molecular consequence: missense variant.
Genome position (GRCh38, 1-based): chr2:27,222,260, A>G. VCF-style: chr2-27222260-A-G. GRCh37 (hg19) VCF-style: chr2-27445128-A-G.
Other names: c.419A>G, p.Gln140Arg (NM_001306079.2); short protein forms Q140R.
Identifiers: ClinVar variation 4987685 (VCV004987685.1).

ClinVar aggregate classification (germline): Uncertain significance (1 of 4 stars; one submission).

Conditions:
CAD-related disorder. Also called: CAD-related condition.

gnomAD v4.1: 6 of 1,614,010 alleles (0.00037%); highest among the groups gnomAD compares: African/African-American, 0.0027%; no homozygotes.

Submission:

PreventionGenetics, part of Exact Sciences
Classification: Uncertain significance for CAD-related condition. Last evaluated: 2025-02-23. Review status: criteria provided, single submitter. Criteria: ACMG Guidelines, 2015. Collection method: clinical testing. Allele origin: germline.
Comment: The CAD c.419A>G variant is predicted to result in the amino acid substitution p.Gln140Arg. This variant was reported in the compound heterozygous state in an individual with a phenotype consistent with CAD deficiency (Del Caño-Ochoa et al. 2020. PubMed ID: 32461667, Patient #Baylor-006 in Table 1). However, functional studies suggested that this variant does not impact normal protein function and was considered a benign variant (Del Caño-Ochoa et al. 2020. PubMed ID: 32461667, Table 1 and Figure 3). This variant is reported in 0.0040% of alleles in individuals of African descent in gnomAD. At this time, the clinical significance of this variant is uncertain due to the absence of conclusive functional and genetic evidence.